The following is an entry in ClinVar:

ClinVar aggregate classification (germline): Benign/Likely benign. Review status: criteria provided, multiple submitters, no conflicts (2 of 4 stars). 4 submissions from 4 submitters: Benign (1); Likely benign (2). 1 of the submissions does not count toward it. Last evaluated 2026-07-17.

Conditions:
Hereditary cancer-predisposing syndrome. Also called: Neoplastic Syndromes, Hereditary; Tumor predisposition; Hereditary Cancer Syndrome; Hereditary neoplastic syndrome. Identifiers: Orphanet 140162, MedGen C0027672, MeSH D009386, MONDO:0015356.
SMARCA4-related disorder. Also called: SMARCA4-related condition.
Rhabdoid tumor predisposition syndrome 2 (RTPS2). Identifiers: Orphanet 231108, Orphanet 69077, MedGen C2750074, MONDO:0013224, OMIM 613325.

Allele frequency attached by ClinVar (database versions not stated): gnomAD exomes below 0.00001.

Submissions (4):

Myriad Genetics, Inc.
Classification: Benign for Rhabdoid tumor predisposition syndrome 2. Last evaluated: 2026-07-17. Review status: criteria provided, single submitter. Criteria: Myriad Autosomal Dominant, Autosomal Recessive and X-Linked Classification Criteria (2023). Collection method: clinical testing. Allele origin: unknown.
Comment: This variant is considered benign. This variant is a silent/synonymous amino acid change and it is not expected to impact splicing.

Labcorp Genetics (formerly Invitae), Labcorp
Classification: Likely benign for Rhabdoid tumor predisposition syndrome 2. Last evaluated: 2023-12-07. Review status: criteria provided, single submitter. Criteria: Invitae Variant Classification Sherloc (09022015). Collection method: clinical testing. Allele origin: germline.

Ambry Genetics
Classification: Likely benign for Hereditary cancer-predisposing syndrome. Last evaluated: 2016-11-25. Review status: criteria provided, single submitter. Criteria: Ambry Variant Classification Scheme 2023. Collection method: clinical testing. Allele origin: germline.

PreventionGenetics, part of Exact Sciences
Classification: Likely benign for SMARCA4-related condition. Last evaluated: 2022-12-22. Review status: no assertion criteria provided. Collection method: clinical testing. Allele origin: germline. Not counted in ClinVar's aggregate classification.
Comment: This variant is classified as likely benign based on ACMG/AMP sequence variant interpretation guidelines (Richards et al. 2015 PMID: 25741868, with internal and published modifications).

NM_003072.5(SMARCA4):c.4068G>A (p.Arg1356=)

Gene: SMARCA4 (SWI/SNF related BAF chromatin remodeling complex subunit ATPase 4; plus strand). Cytogenetic location: 19p13.2.
Variant type: single nucleotide variant.
Coding change: c.4068G>A on transcript NM_003072.5 (MANE Select); coding-DNA position 4068, G replaced by A.
Protein change: p.Arg1356=; no amino-acid change (arginine 1356 retained).
Molecular consequence: synonymous variant. On other transcripts: non-coding transcript variant (1).
Genome position (GRCh38, 1-based): chr19:11,035,030, G>A. VCF-style: chr19-11035030-G-A. GRCh37 (hg19) VCF-style: chr19-11145706-G-A.
Other names: c.4068G>A, p.Arg1356= (NM_001128844.3, NM_001128849.3, NM_001387283.1); c.3969G>A, p.Arg1323= (NM_001128845.2, NM_001128846.2, NM_001128847.4 and 2 more transcripts).
Identifiers: ClinVar variation 1647897 (VCV001647897.13), dbSNP rs2146700562, ClinGen allele CA505493389.